The following is an entry in ClinVar:

NM_198576.4(AGRN):c.4779_4793dup (p.Gln1593_Cys1597dup)

Gene: AGRN (agrin; plus strand). Cytogenetic location: 1p36.33.
Variant type: Duplication.
Coding change: c.4779_4793dup on transcript NM_198576.4 (MANE Select); coding-DNA positions 4779 to 4793, 15 bases duplicated (GCCCAACCCCTGCCA).
Protein change: p.Gln1593_Cys1597dup.
Molecular consequence: inframe insertion.
Genome position (GRCh38, 1-based): chr1:1,049,937-1,049,951, GCCCAACCCCTGCCA duplicated; duplicating any 15 consecutive bases within chr1:1,049,928-1,049,951 gives the same sequence; the c. name uses the placement nearest the transcript's 3' end. VCF-style (leftmost placement, unchanged base first): chr1-1049927-G-GCCCCTGCCAGCCCAA. GRCh37 (hg19) VCF-style: chr1-985307-G-GCCCCTGCCAGCCCAA.
Other names: c.4779_4793dup, p.Gln1593_Cys1597dup (NM_001305275.2); c.4464_4478dup, p.Gln1488_Cys1492dup (NM_001364727.2).
Identifiers: ClinVar variation 1499597 (VCV001499597.8), dbSNP rs769494139, ClinGen allele CA520620530.
Genomic context (GRCh38, chr1:1,049,927, plus strand): 5'-GGGACCTCGGTCCCGGTCCCGTCTTCCTCCATCCAGGACCAACCTGTGCCGATGAGAAGA[G>GCCCCTGCCAGCCCAA]CCCCTGCCAGCCCAACCCCTGCCATGGGGCGGCGCCCTGCCGTGTGCTGCCCGAGGGTGG-3'

ClinVar aggregate classification (germline): Uncertain significance (1 of 4 stars; one submission).

Conditions:
Congenital myasthenic syndrome 8. Also called: Myasthenic syndrome, congenital, 8, with pre- and postsynaptic defects; MYASTHENIC SYNDROME, CONGENITAL, DUE TO AGRIN DEFICIENCY. Identifiers: Orphanet 590, MedGen C3808739, MONDO:0014052, OMIM 615120.

Submission:

Labcorp Genetics (formerly Invitae), Labcorp
Classification: Uncertain significance for Congenital myasthenic syndrome 8. Last evaluated: 2025-08-11. Review status: criteria provided, single submitter. Criteria: Invitae Variant Classification Sherloc (09022015). Collection method: clinical testing. Allele origin: germline.
Comment: This variant, c.4779_4793dup, results in the insertion of 5 amino acid(s) of the AGRN protein (p.Gln1593_Cys1597dup), but otherwise preserves the integrity of the reading frame. This variant is present in population databases (no rsID available, gnomAD 0.003%). This variant has not been reported in the literature in individuals affected with AGRN-related conditions. ClinVar contains an entry for this variant (Variation ID: 1499597). In summary, the available evidence is currently insufficient to determine the role of this variant in disease. Therefore, it has been classified as a Variant of Uncertain Significance.